The following is an entry in ClinVar:

NM_198506.5(LRIT3):c.404A>T (p.Asp135Val)

Gene: LRIT3 (leucine rich repeat, Ig-like and transmembrane domains 3; plus strand). Cytogenetic location: 4q25.
Variant type: single nucleotide variant.
Coding change: c.404A>T on transcript NM_198506.5 (MANE Select); coding-DNA position 404, A replaced by T.
Protein change: p.Asp135Val; replaces aspartic acid 135 with valine.
Molecular consequence: missense variant.
Genome position (GRCh38, 1-based): chr4:109,851,791, A>T. VCF-style: chr4-109851791-A-T. GRCh37 (hg19) VCF-style: chr4-110772947-A-T.
Other names: short protein forms D135V.
Identifiers: ClinVar variation 728146 (VCV000728146.14), dbSNP rs61740116, ClinGen allele CA3042988.

ClinVar aggregate classification (germline): Benign/Likely benign. Review status: criteria provided, multiple submitters, no conflicts (2 of 4 stars). 4 submissions from 4 submitters: Benign (2); Likely benign (1). 1 of the submissions does not count toward it. Last evaluated 2026-01-06.

Conditions:
LRIT3-related disorder. Also called: LRIT3-related condition.

Allele frequency attached by ClinVar (database versions not stated): gnomAD exomes 0.00059; ExAC 0.00110; ESP Exome Variant Server 0.00175; gnomAD 0.00249 and 0.00265; TOPMed 0.00272; 1000 Genomes Project 30x 0.00375; 1000 Genomes Project 0.00379.
gnomAD v4.1: 714 of 1,551,718 alleles (0.046%); highest among the groups gnomAD compares: African/African-American, 0.85%; 3 homozygotes.

Submissions (4):

Labcorp Genetics (formerly Invitae), Labcorp
Classification: Benign. Last evaluated: 2026-01-06. Review status: criteria provided, single submitter. Criteria: Invitae Variant Classification Sherloc (09022015). Collection method: clinical testing. Allele origin: germline.

Blueprint Genetics
Classification: Likely benign. Last evaluated: 2024-06-13. Review status: criteria provided, single submitter. Criteria: ACMG Guidelines, 2015. Collection method: clinical testing. Allele origin: germline.

Breakthrough Genomics
Classification: Benign. Review status: criteria provided, single submitter. Criteria: ACMG Guidelines, 2015. Collection method: not provided. Allele origin: germline. Inheritance: Autosomal recessive inheritance. Affected: yes.

PreventionGenetics, part of Exact Sciences
Classification: Benign for LRIT3-related condition. Last evaluated: 2019-11-01. Review status: no assertion criteria provided. Collection method: clinical testing. Allele origin: germline. Not counted in ClinVar's aggregate classification.
Comment: This variant is classified as benign based on ACMG/AMP sequence variant interpretation guidelines (Richards et al. 2015 PMID: 25741868, with internal and published modifications).